The following is an entry in ClinVar:

NM_000321.3(RB1):c.2212-9C>A

Gene: RB1 (RB transcriptional corepressor 1; plus strand). Cytogenetic location: 13q14.2.
Variant type: single nucleotide variant.
Coding change: c.2212-9C>A on transcript NM_000321.3 (MANE Select); 9 bases into the intron before coding-DNA position 2212, C replaced by A.
Molecular consequence: intron variant.
Genome position (GRCh38, 1-based): chr13:48,464,989, C>A. VCF-style: chr13-48464989-C-A. GRCh37 (hg19) VCF-style: chr13-49039125-C-A.
Identifiers: ClinVar variation 727657 (VCV000727657.13), dbSNP rs765386327, ClinGen allele CA915948571.

ClinVar aggregate classification (germline): Benign/Likely benign. Review status: criteria provided, multiple submitters, no conflicts (2 of 4 stars). 3 submissions from 3 submitters: Benign (1); Likely benign (1). 1 of the submissions does not count toward it. Last evaluated 2025-03-24.

Conditions:
Retinoblastoma (RB1). Also called: RETINOBLASTOMA, SOMATIC. Identifiers: Orphanet 790, MedGen C0035335, MeSH D012175, MONDO:0008380, OMIM 180200, HP:0009919. Disease mechanism: loss of function. Inheritance: Both sporadic and heritable forms are tested..
RB1-related disorder. Also called: RB1-related condition.

Submissions (3):

Labcorp Genetics (formerly Invitae), Labcorp
Classification: Likely benign for Retinoblastoma. Last evaluated: 2025-03-24. Review status: criteria provided, single submitter. Criteria: Invitae Variant Classification Sherloc (09022015). Collection method: clinical testing. Allele origin: germline.

Mendelics
Classification: Benign. Last evaluated: 2022-05-04. Review status: criteria provided, single submitter. Criteria: Mendelics Assertion Criteria 2019. Collection method: clinical testing. Allele origin: germline.

PreventionGenetics, part of Exact Sciences
Classification: Likely benign for RB1-related condition. Last evaluated: 2019-10-21. Review status: no assertion criteria provided. Collection method: clinical testing. Allele origin: germline. Not counted in ClinVar's aggregate classification.
Comment: This variant is classified as likely benign based on ACMG/AMP sequence variant interpretation guidelines (Richards et al. 2015 PMID: 25741868, with internal and published modifications).